The following is an entry in ClinVar:

NM_021098.3(CACNA1H):c.6726_6727dup (p.Asp2243fs)

Gene: CACNA1H (calcium voltage-gated channel subunit alpha1 H; plus strand). Cytogenetic location: 16p13.3.
Variant type: Duplication.
Coding change: c.6726_6727dup on transcript NM_021098.3 (MANE Select); coding-DNA positions 6726 to 6727, 2 bases duplicated (GG; older notation c.6726_6727dupGG).
Protein change: p.Asp2243fs; shifts the reading frame from aspartic acid 2243.
Molecular consequence: frameshift variant.
Genome position (GRCh38, 1-based): chr16:1,220,658-1,220,659, GG duplicated; duplicating any 2 consecutive bases within chr16:1,220,653-1,220,659 gives the same sequence; the c. name uses the placement nearest the transcript's 3' end. VCF-style (leftmost placement, unchanged base first): chr16-1220652-C-CGG. GRCh37 (hg19) VCF-style: chr16-1270652-C-CGG.
Other names: c.6708_6709dup, p.Asp2237fs (NM_001005407.2); short protein forms D2237fs, D2243fs.
Identifiers: ClinVar variation 2922559 (VCV002922559.4), dbSNP rs753624103, ClinGen allele CA620698915.

ClinVar aggregate classification (germline): Uncertain significance. Review status: criteria provided, multiple submitters, no conflicts (2 of 4 stars). 2 submissions from 2 submitters: Uncertain significance (2). Last evaluated 2025-12-16.

Conditions:
Epilepsy, childhood absence, susceptibility to, 6. Identifiers: Orphanet 64280, MedGen C2749872, MONDO:0012763, OMIM 611942.
Hyperaldosteronism, familial, type IV (HALD4). Also called: FH IV; ALDOSTERONISM, PRIMARY, AND HYPERTENSION. Identifiers: Orphanet 642671, MedGen C4310756, MONDO:0014875, OMIM 617027.
Idiopathic generalized epilepsy. Also called: EIG; Generalised epilepsy. Identifiers: MedGen C0270850, MONDO:0005579, OMIM 600669.

Submissions (2):

Labcorp Genetics (formerly Invitae), Labcorp
Classification: Uncertain significance for Idiopathic generalized epilepsy; Hyperaldosteronism, familial, type IV. Last evaluated: 2025-12-16. Review status: criteria provided, single submitter. Criteria: Invitae Variant Classification Sherloc (09022015). Collection method: clinical testing. Allele origin: germline.
Comment: This sequence change creates a premature translational stop signal (p.Asp2243Glyfs*20) in the CACNA1H gene. While this is not anticipated to result in nonsense mediated decay, it is expected to disrupt the last 111 amino acid(s) of the CACNA1H protein. This variant is present in population databases (no rsID available, gnomAD 0.01%). This variant has not been reported in the literature in individuals affected with CACNA1H-related conditions. ClinVar contains an entry for this variant (Variation ID: 2922559). Experimental studies and prediction algorithms are not available or were not evaluated, and the functional significance of this variant is currently unknown. In summary, the available evidence is currently insufficient to determine the role of this variant in disease. Therefore, it has been classified as a Variant of Uncertain Significance.

Fulgent Genetics
Classification: Uncertain significance for Epilepsy, childhood absence, susceptibility to, 6; Hyperaldosteronism, familial, type IV. Last evaluated: 2024-03-04. Review status: criteria provided, single submitter. Criteria: ACMG Guidelines, 2015. Collection method: clinical testing. Allele origin: germline.